The following is an entry in ClinVar:

ClinVar aggregate classification (germline): Uncertain significance (1 of 4 stars; one submission).

Submission:

GeneDx
Classification: Uncertain significance. Last evaluated: 2026-01-18. Review status: criteria provided, single submitter. Criteria: GeneDx Variant Classification Process June 2021. Collection method: clinical testing. Allele origin: germline.
Comment: Not observed at significant frequency in large population cohorts (gnomAD); In silico analysis supports that this missense variant has a deleterious effect on protein structure/function; Has not been previously published as pathogenic or benign to our knowledge

NM_004100.5(EYA4):c.1216G>A (p.Gly406Arg)

Genes: EYA4 (EYA transcriptional coactivator and phosphatase 4; plus strand), TARID (TCF21 antisense RNA inducing promoter demethylation; minus strand), LOC126859796 (MED14-independent group 3 enhancer GRCh37_chr6:133826289-133827488; plus strand). Cytogenetic location: 6q23.2.
Variant type: single nucleotide variant.
Coding change: c.1216G>A on transcript NM_004100.5 (MANE Select); coding-DNA position 1216, G replaced by A.
Protein change: p.Gly406Arg; replaces glycine 406 with arginine.
Molecular consequence: missense variant. On other transcripts: non-coding transcript variant (1).
Genome position (GRCh38, 1-based): chr6:133,506,130, G>A. VCF-style: chr6-133506130-G-A. GRCh37 (hg19) VCF-style: chr6-133827268-G-A.
Other names: c.1147G>A, p.Gly383Arg (NM_001370458.1, NM_172103.4); c.1072G>A, p.Gly358Arg (NM_001370459.1); c.1216G>A, p.Gly406Arg (NM_172105.4); c.1054G>A, p.Gly352Arg (NM_001301012.2); c.1234G>A, p.Gly412Arg (NM_001301013.2); short protein forms G352R, G358R, G383R, G406R, G412R.
Identifiers: ClinVar variation 2430587 (VCV002430587.2), dbSNP rs2535223655, ClinGen allele CA365713478.